The following is an entry in ClinVar:

NM_000553.6(WRN):c.1411T>A (p.Leu471Ile)

Gene: WRN (WRN RecQ like helicase; plus strand). Cytogenetic location: 8p12.
Variant type: single nucleotide variant.
Coding change: c.1411T>A on transcript NM_000553.6 (MANE Select); coding-DNA position 1411, T replaced by A.
Protein change: p.Leu471Ile; replaces leucine 471 with isoleucine.
Molecular consequence: missense variant.
Genome position (GRCh38, 1-based): chr8:31,085,226, T>A. VCF-style: chr8-31085226-T-A. GRCh37 (hg19) VCF-style: chr8-30942742-T-A.
Other names: short protein forms L471I.
Identifiers: ClinVar variation 238119 (VCV000238119.7), dbSNP rs878854132, ClinGen allele CA10582580.

ClinVar aggregate classification (germline): Uncertain significance (1 of 4 stars; one submission).

Conditions:
Werner syndrome (WRN). Identifiers: Orphanet 902, MedGen C0043119, MONDO:0010196, OMIM 277700.

Allele frequency attached by ClinVar (database versions not stated): TOPMed below 0.00001; gnomAD exomes 0.00001.
gnomAD v4.1: 8 of 1,612,886 alleles (0.0005%); highest among the groups gnomAD compares: Non-Finnish European, 0.00068%; no homozygotes.

Submission:

Labcorp Genetics (formerly Invitae), Labcorp
Classification: Uncertain significance for Werner syndrome. Last evaluated: 2024-04-29. Review status: criteria provided, single submitter. Criteria: Invitae Variant Classification Sherloc (09022015). Collection method: clinical testing. Allele origin: germline.
Comment: This sequence change replaces leucine, which is neutral and non-polar, with isoleucine, which is neutral and non-polar, at codon 471 of the WRN protein (p.Leu471Ile). This variant is not present in population databases (gnomAD no frequency). This variant has not been reported in the literature in individuals affected with WRN-related conditions. ClinVar contains an entry for this variant (Variation ID: 238119). An algorithm developed to predict the effect of missense changes on protein structure and function (PolyPhen-2) suggests that this variant is likely to be disruptive. In summary, the available evidence is currently insufficient to determine the role of this variant in disease. Therefore, it has been classified as a Variant of Uncertain Significance.